The following is an entry in ClinVar:

ClinVar aggregate classification (germline): Likely benign (0 of 4 stars; one submission).

Conditions:
CDK4-related disorder. Also called: CDK4-related condition.

Allele frequency attached by ClinVar (database versions not stated): TOPMed below 0.00001.

Submission:

PreventionGenetics, part of Exact Sciences
Classification: Likely benign for CDK4-related condition. Last evaluated: 2024-02-26. Review status: no assertion criteria provided. Collection method: clinical testing. Allele origin: germline.
Comment: This variant is classified as likely benign based on ACMG/AMP sequence variant interpretation guidelines (Richards et al. 2015 PMID: 25741868, with internal and published modifications).

NM_000075.4(CDK4):c.888T>C (p.His296=)

Genes: CDK4 (cyclin dependent kinase 4; minus strand), TSPAN31 (tetraspanin 31; plus strand). Cytogenetic location: 12q14.1.
Variant type: single nucleotide variant.
Coding change: c.888T>C on transcript NM_000075.4 (MANE Select); coding-DNA position 888, T replaced by C.
Protein change: p.His296=; no amino-acid change (histidine 296 retained).
Molecular consequence: synonymous variant. On other transcripts: 3 prime UTR variant (3).
Genome position (GRCh38, 1-based): chr12:57,748,549, A>G on the plus strand (T>C on the coding strand, the complement: CDK4 is on the minus strand). VCF-style: chr12-57748549-A-G. GRCh37 (hg19) VCF-style: chr12-58142332-A-G.
Other names: c.*1259A>G (NM_001330168.2, NM_001330169.2, NM_005981.5).
Identifiers: ClinVar variation 3061174 (VCV003061174.2), dbSNP rs1955186809, ClinGen allele CA480299559.